The following is an entry in ClinVar:

NM_003906.5(MCM3AP):c.5296+17_5296+18delinsAT

Genes: MCM3AP (minichromosome maintenance complex component 3 associated protein; minus strand), MCM3AP-AS1 (MCM3AP antisense RNA 1; plus strand). Cytogenetic location: 21q22.3.
Variant type: Indel.
Coding change: c.5296+17_5296+18delinsAT on transcript NM_003906.5 (MANE Select); bases 17 to 18 of the intron after coding-DNA position 5296, GC replaced by AT.
Molecular consequence: intron variant.
Genome position (GRCh38, 1-based): chr21:46,243,447-46,243,448, GC replaced by AT on the plus strand (GC replaced by AT on the coding strand, the reverse complement: MCM3AP is on the minus strand). VCF-style: chr21-46243447-GC-AT. GRCh37 (hg19) VCF-style: chr21-47663361-GC-AT.
Identifiers: ClinVar variation 1971032 (VCV001971032.5), dbSNP rs2517309512, ClinGen allele CA2580098986.

ClinVar aggregate classification (germline): Uncertain significance (1 of 4 stars; one submission).

Submission:

Labcorp Genetics (formerly Invitae), Labcorp
Classification: Uncertain significance. Last evaluated: 2022-06-03. Review status: criteria provided, single submitter. Criteria: Invitae Variant Classification Sherloc (09022015). Collection method: clinical testing. Allele origin: germline.
Comment: In summary, the available evidence is currently insufficient to determine the role of this variant in disease. Therefore, it has been classified as a Variant of Uncertain Significance. Experimental studies and prediction algorithms are not available or were not evaluated, and the effect of this variant on mRNA splicing is currently unknown. This variant has not been reported in the literature in individuals affected with MCM3AP-related conditions. Information on the frequency of this variant in the gnomAD database is not available, as this variant may be reported differently in the database. This sequence change falls in intron 24 of the MCM3AP gene. It does not directly change the encoded amino acid sequence of the MCM3AP protein.